The following is an entry in ClinVar:

ClinVar aggregate classification (germline): Uncertain significance (1 of 4 stars; one submission).

Submission:

Labcorp Genetics (formerly Invitae), Labcorp
Classification: Uncertain significance. Last evaluated: 2024-03-29. Review status: criteria provided, single submitter. Criteria: Invitae Variant Classification Sherloc (09022015). Collection method: clinical testing. Allele origin: germline.
Comment: This sequence change replaces asparagine, which is neutral and polar, with lysine, which is basic and polar, at codon 534 of the DSG1 protein (p.Asn534Lys). This variant is not present in population databases (gnomAD no frequency). This variant has not been reported in the literature in individuals affected with DSG1-related conditions. Advanced modeling of protein sequence and biophysical properties (such as structural, functional, and spatial information, amino acid conservation, physicochemical variation, residue mobility, and thermodynamic stability) performed at Invitae indicates that this missense variant is not expected to disrupt DSG1 protein function with a negative predictive value of 80%. In summary, the available evidence is currently insufficient to determine the role of this variant in disease. Therefore, it has been classified as a Variant of Uncertain Significance.

NM_001942.4(DSG1):c.1602C>A (p.Asn534Lys)

Gene: DSG1 (desmoglein 1; plus strand). Cytogenetic location: 18q12.1.
Variant type: single nucleotide variant.
Coding change: c.1602C>A on transcript NM_001942.4 (MANE Select); coding-DNA position 1602, C replaced by A.
Protein change: p.Asn534Lys; replaces asparagine 534 with lysine.
Molecular consequence: missense variant.
Genome position (GRCh38, 1-based): chr18:31,339,940, C>A. VCF-style: chr18-31339940-C-A. GRCh37 (hg19) VCF-style: chr18-28919903-C-A.
Other names: short protein forms N534K.
Identifiers: ClinVar variation 3666107 (VCV003666107.2).